The following is an entry in ClinVar:

ClinVar aggregate classification (germline): Uncertain significance (1 of 4 stars; one submission).

Conditions:
Hereditary cancer-predisposing syndrome. Also called: Hereditary Cancer Syndrome; Hereditary neoplastic syndrome; Neoplastic Syndromes, Hereditary; Tumor predisposition. Identifiers: Orphanet 140162, MedGen C0027672, MeSH D009386, MONDO:0015356.

Submission:

Ambry Genetics
Classification: Uncertain significance for Hereditary cancer-predisposing syndrome. Last evaluated: 2025-06-30. Review status: criteria provided, single submitter. Criteria: Ambry Variant Classification Scheme 2023. Collection method: clinical testing. Allele origin: germline.
Comment: The p.A206G variant (also known as c.617C>G), located in coding exon 1 of the ALK gene, results from a C to G substitution at nucleotide position 617. The alanine at codon 206 is replaced by glycine, an amino acid with similar properties. This amino acid position is conserved. In addition, this alteration is predicted to be tolerated by in silico analysis. Based on the available evidence, the clinical significance of this variant remains unclear.

NM_004304.5(ALK):c.617C>G (p.Ala206Gly)

Gene: ALK (ALK receptor tyrosine kinase; minus strand). Cytogenetic location: 2p23.1.
Variant type: single nucleotide variant.
Coding change: c.617C>G on transcript NM_004304.5 (MANE Select); coding-DNA position 617, C replaced by G.
Protein change: p.Ala206Gly; replaces alanine 206 with glycine.
Molecular consequence: missense variant.
Genome position (GRCh38, 1-based): chr2:29,920,043, G>C on the plus strand (C>G on the coding strand, the complement: ALK is on the minus strand). VCF-style: chr2-29920043-G-C. GRCh37 (hg19) VCF-style: chr2-30142909-G-C.
Other names: short protein forms A206G.
Identifiers: ClinVar variation 4272393 (VCV004272393.1).
Genomic context (GRCh38, chr2:29,920,043, plus strand): 5'-AGCTGCTCACCAGTCCCGAAGATCTGGAAGAGAAGGCGGGGCTGGGAGGCGCGAATTGCC[G>C]CGGACAGCCTTCCCTCTCTGCCCACTTCCGACGCCTTCTTCTCGGGCATCAGGCGGATCC-3'
Protein context (NP_004295.2, residues 196-216): SEVGREGRLS[Ala206Gly]AIRASQPRLL